The following is an entry in ClinVar:

NM_015425.6(POLR1A):c.3871G>A (p.Gly1291Arg)

Genes: POLR1A (RNA polymerase I subunit A; minus strand), LOC106783498 (conserved acetylation island sequence 34 enhancer; plus strand). Cytogenetic location: 2p11.2.
Variant type: single nucleotide variant.
Coding change: c.3871G>A on transcript NM_015425.6 (MANE Select); coding-DNA position 3871, G replaced by A.
Protein change: p.Gly1291Arg; replaces glycine 1291 with arginine.
Molecular consequence: missense variant.
Genome position (GRCh38, 1-based): chr2:86,039,332, C>T on the plus strand (G>A on the coding strand, the complement: POLR1A is on the minus strand). VCF-style: chr2-86039332-C-T. GRCh37 (hg19) VCF-style: chr2-86266455-C-T.
Other names: c.3871G>A (NM_015425.4); short protein forms G1291R.
Identifiers: ClinVar variation 1367286 (VCV001367286.7), dbSNP rs1437606603, ClinGen allele CA347550496.

ClinVar aggregate classification (germline): Uncertain significance. Review status: criteria provided, multiple submitters, no conflicts (2 of 4 stars). 2 submissions from 2 submitters: Uncertain significance (2). Last evaluated 2024-11-23.

Conditions:
POLR1A-related disorder. Also called: POLR1A-related condition.

gnomAD v4.1: 1 of 1,613,934 alleles (0.000062%); highest among the groups gnomAD compares: Admixed American, 0.0017%; no homozygotes.

Submissions (2):

PreventionGenetics, part of Exact Sciences
Classification: Uncertain significance for POLR1A-related condition. Last evaluated: 2024-11-23. Review status: criteria provided, single submitter. Criteria: ACMG Guidelines, 2015. Collection method: clinical testing. Allele origin: germline.
Comment: The POLR1A c.3871G>A variant is predicted to result in the amino acid substitution p.Gly1291Arg. To our knowledge, this variant has not been reported in the literature or in a large population database (gnomAD), indicating this variant is rare. At this time, the clinical significance of this variant is uncertain due to the absence of conclusive functional and genetic evidence.

Labcorp Genetics (formerly Invitae), Labcorp
Classification: Uncertain significance. Last evaluated: 2022-10-18. Review status: criteria provided, single submitter. Criteria: Invitae Variant Classification Sherloc (09022015). Collection method: clinical testing. Allele origin: germline.
Comment: In summary, the available evidence is currently insufficient to determine the role of this variant in disease. Therefore, it has been classified as a Variant of Uncertain Significance. Algorithms developed to predict the effect of sequence changes on RNA splicing suggest that this variant may disrupt the consensus splice site. Advanced modeling of protein sequence and biophysical properties (such as structural, functional, and spatial information, amino acid conservation, physicochemical variation, residue mobility, and thermodynamic stability) performed at Invitae indicates that this missense variant is not expected to disrupt POLR1A protein function. ClinVar contains an entry for this variant (Variation ID: 1367286). This variant has not been reported in the literature in individuals affected with POLR1A-related conditions. This variant is not present in population databases (gnomAD no frequency). This sequence change replaces glycine with arginine at codon 1291 of the POLR1A protein (p.Gly1291Arg). The glycine residue is weakly conserved and there is a moderate physicochemical difference between glycine and arginine.